The following is an entry in ClinVar:

ClinVar aggregate classification (germline): Uncertain significance (1 of 4 stars; one submission).

Conditions:
Early Myoclonic Encephalopathy. Identifiers: MedGen C0270855.

Allele frequency attached by ClinVar (database versions not stated): gnomAD 0.00001.

Submission:

Labcorp Genetics (formerly Invitae), Labcorp
Classification: Uncertain significance for Early Myoclonic Encephalopathy. Last evaluated: 2022-09-01. Review status: criteria provided, single submitter. Criteria: Invitae Variant Classification Sherloc (09022015). Collection method: clinical testing. Allele origin: germline.
Comment: In summary, the available evidence is currently insufficient to determine the role of this variant in disease. Therefore, it has been classified as a Variant of Uncertain Significance. Algorithms developed to predict the effect of missense changes on protein structure and function output the following: SIFT: "Tolerated"; PolyPhen-2: "Benign"; Align-GVGD: "Class C0". The isoleucine amino acid residue is found in multiple mammalian species, which suggests that this missense change does not adversely affect protein function. This variant has not been reported in the literature in individuals affected with JMJD1C-related conditions. This variant is not present in population databases (gnomAD no frequency). This sequence change replaces methionine, which is neutral and non-polar, with isoleucine, which is neutral and non-polar, at codon 1385 of the JMJD1C protein (p.Met1385Ile).

NM_032776.3(JMJD1C):c.4155G>A (p.Met1385Ile)

Gene: JMJD1C (jumonji domain containing 1C; minus strand). Cytogenetic location: 10q21.3.
Variant type: single nucleotide variant.
Coding change: c.4155G>A on transcript NM_032776.3 (MANE Select); coding-DNA position 4155, G replaced by A.
Protein change: p.Met1385Ile; replaces methionine 1385 with isoleucine.
Molecular consequence: missense variant. On other transcripts: non-coding transcript variant (1).
Genome position (GRCh38, 1-based): chr10:63,207,514, C>T on the plus strand (G>A on the coding strand, the complement: JMJD1C is on the minus strand). VCF-style: chr10-63207514-C-T. GRCh37 (hg19) VCF-style: chr10-64967274-C-T.
Other names: c.3609G>A, p.Met1203Ile (NM_001282948.2, NM_001318154.2); c.3291G>A, p.Met1097Ile (NM_001318153.2); c.4041G>A, p.Met1347Ile (NM_001322252.2); c.3498G>A, p.Met1166Ile (NM_001322254.2, NM_001322258.2); short protein forms M1097I, M1166I, M1203I, M1347I, M1385I.
Identifiers: ClinVar variation 2014445 (VCV002014445.4), dbSNP rs1846781453, ClinGen allele CA377038384.